The following is an entry in ClinVar:

NM_000435.3(NOTCH3):c.3664T>G (p.Cys1222Gly)

Gene: NOTCH3 (notch receptor 3; minus strand). Cytogenetic location: 19p13.12.
Variant type: single nucleotide variant.
Coding change: c.3664T>G on transcript NM_000435.3 (MANE Select); coding-DNA position 3664, T replaced by G.
Protein change: p.Cys1222Gly; replaces cysteine 1222 with glycine.
Molecular consequence: missense variant.
Genome position (GRCh38, 1-based): chr19:15,179,079, A>C on the plus strand (T>G on the coding strand, the complement: NOTCH3 is on the minus strand). VCF-style: chr19-15179079-A-C. GRCh37 (hg19) VCF-style: chr19-15289890-A-C.
Other names: p.Cys1222Gly; short protein forms C1222G.
Identifiers: ClinVar variation 425164 (VCV000425164.67), dbSNP rs199638166, ClinGen allele CA9263023.

ClinVar aggregate classification (germline): Conflicting classifications of pathogenicity. Review status: criteria provided, conflicting classifications (1 of 4 stars). 11 submissions from 11 submitters: Likely pathogenic (1); Uncertain significance (10). Last evaluated 2025-11-24.

Conditions:
NOTCH3-related disorder. Also called: NOTCH3-related condition; NOTCH3-related disorders.
Cerebral arteriopathy, autosomal recessive, with subcortical infarcts and leukoencephalopathy 1. Identifiers: MedGen C6065897, MONDO:0979867, OMIM 621295.
Cerebral arteriopathy, autosomal dominant, with subcortical infarcts and leukoencephalopathy, type 1 (CADASIL1). Also called: CADASIL 1; CASIL; Cerebral arteriopathy with subcortical infarcts and leukoencephalopathy 1; DEMENTIA, HEREDITARY MULTIINFARCT TYPE. Identifiers: Orphanet 136, MedGen C4551768, MONDO:0000914, OMIM 125310.

Allele frequency attached by ClinVar (database versions not stated): TOPMed 0.00009; gnomAD exomes 0.00010; gnomAD 0.00011; ESP Exome Variant Server 0.00031; ExAC 0.00007.
gnomAD v4.1: 279 of 1,614,112 alleles (0.017%); highest among the groups gnomAD compares: Non-Finnish European, 0.022%; no homozygotes.

Submissions 1 to 6 of 11:

Clinical Genomics Laboratory, Washington University in St. Louis
Classification: Uncertain significance for Cerebral arteriopathy, autosomal dominant, with subcortical infarcts and leukoencephalopathy, type 1; Cerebral arteriopathy, autosomal recessive, with subcortical infarcts and leukoencephalopathy 1. Last evaluated: 2025-11-24. Review status: criteria provided, single submitter. Criteria: ACMG Guidelines, 2015. Collection method: clinical testing. Allele origin: germline.
Comment: The NOTCH3 c.3664T>G (p.Cys1222Gly) variant has been reported in several individuals with clinical features of CADASIL (Kilarski LL et al., PMID: 26305465; Moreton FC et al., PMID: 24840674), Parkinson’s disease (Ramirez J et al., PMID: 32573853) or a cognitively healthy elderly individual with subtle white matter hyperintensities (Rutten JW et al., PMID: 32732295). The highest population minor allele frequency in the population database genome aggregation database (v.4.1.0) is 0.02% in the European non-Finnish population. This variant resides within one of the 34 epidermal growth factor-like repeats that contain cysteine residues that maintain NOTCH3 protein conformation (Mizuno T et al., PMID: 32457593). Computational predictors are uncertain as to the impact of this variant on NOTCH3 function. Due to limited information, and based on ACMG/AMP guidelines for variant interpretation (Richards S et al., PMID: 25741868), the clinical significance of this variant is uncertain at this time.

Labcorp Genetics (formerly Invitae), Labcorp
Classification: Uncertain significance. Last evaluated: 2025-11-18. Review status: criteria provided, single submitter. Criteria: Invitae Variant Classification Sherloc (09022015). Collection method: clinical testing. Allele origin: germline.
Comment: This sequence change replaces cysteine, which is neutral and slightly polar, with glycine, which is neutral and non-polar, at codon 1222 of the NOTCH3 protein (p.Cys1222Gly). This variant is present in population databases (rs199638166, gnomAD 0.02%). This missense change has been observed in individual(s) with clinical features of NOTCH3-related conditions (PMID: 24840674, 26305465, 32573853, 36401683). ClinVar contains an entry for this variant (Variation ID: 425164). Invitae Evidence Modeling of protein sequence and biophysical properties (such as structural, functional, and spatial information, amino acid conservation, physicochemical variation, residue mobility, and thermodynamic stability) has been performed for this missense variant. However, the output from this modeling did not meet the statistical confidence thresholds required to predict the impact of this variant on NOTCH3 protein function. In summary, the available evidence is currently insufficient to determine the role of this variant in disease. Therefore, it has been classified as a Variant of Uncertain Significance.

Women's Health and Genetics/Laboratory Corporation of America, LabCorp
Classification: Uncertain significance. Last evaluated: 2025-10-08. Review status: criteria provided, single submitter. Criteria: LabCorp Variant Classification Summary - May 2015. Collection method: clinical testing. Allele origin: germline.
Comment: Variant summary: NOTCH3 c.3664T>G (p.Cys1222Gly) results in a non-conservative amino acid change in the encoded protein sequence. Algorithms developed to predict the effect of missense changes on protein structure and function all suggest that this variant is likely to be disruptive. The variant allele was found at a frequency of 9.6e-05 in 250496 control chromosomes. This frequency is not significantly higher than estimated for disease-causing variants in NOTCH3, allowing no conclusion about variant significance. c.3664T>G has been observed in individuals affected with clinical features of NOTCH3-Related Disorders (Moreton_2014, Kilarski_2015, Rutten_2016, Tan_2019, Ramirez_2020, Rutten_2020, Juhosov_2022). These reports do not provide unequivocal conclusions about association of the variant with Cerebral arteriopathy, autosomal recessive, with subcortical infarcts and leukoencephalopathy 1. To our knowledge, no experimental evidence demonstrating an impact on protein function has been reported. The following publications have been ascertained in the context of this evaluation (PMID: 24840674, 32573853, 36401683, 26305465, 32732295, 27844030, 31719132, 35641310). ClinVar contains an entry for this variant (Variation ID: 425164). Based on the evidence outlined above, the variant was classified as uncertain significance.

CeGaT Center for Human Genetics Tuebingen
Classification: Likely pathogenic. Last evaluated: 2025-10-01. Review status: criteria provided, single submitter. Criteria: CeGaT Center For Human Genetics Tuebingen Variant Classification Criteria Version 2. Collection method: clinical testing. Allele origin: germline. Affected: yes. Observed: 6 variant alleles.
Comment: NOTCH3: PM1:Strong, PS4:Moderate

Athena Diagnostics
Classification: Uncertain significance. Last evaluated: 2025-05-19. Review status: criteria provided, single submitter. Criteria: Athena Diagnostics Criteria. Collection method: clinical testing. Allele origin: unknown.
Comment: Available data are insufficient to determine the clinical significance of the variant at this time. This variant alters a critical location within the protein, and is expected to severely affect function and cause disease. The frequency of this variant in the general population is higher than would generally be expected for pathogenic variants in this gene. This variant is statistically significantly enriched in affected patients as compared to ethnically matched controls (PMID: 39271666). This variant has been seen where an alternate explanation for disease was also identified, suggesting this variant may not cause disease. Greater than 90% of NOTCH3 pathogenic variants associated with CADASIL involve the gain or loss of a cysteine residue within the epidermal growth factor (EGF)-like repeat domain (PMID: 32457593, 20301673).

PreventionGenetics, part of Exact Sciences
Classification: Uncertain significance for NOTCH3-related condition. Last evaluated: 2024-11-19. Review status: criteria provided, single submitter. Criteria: ACMG Guidelines, 2015. Collection method: clinical testing. Allele origin: germline.
Comment: The NOTCH3 c.3664T>G variant is predicted to result in the amino acid substitution p.Cys1222Gly. This variant has been documented in the literature in individuals diagnosed with both CADASIL and Parkinson's disease (Moreton et al. 2014. PubMed ID: 24840674; Kilarski et al. 2015. PubMed ID: 26305465; Ramirez et al. 2020. PubMed ID: 32573853). Yet, it is also documented in the gnomAD database in 29 heterozygous individuals of unknown phenotype. Rutten et al. 2020. Internally, we have reported this variant in the heterozygous, homozygous, and compound heterozygous states in affected individuals, but it has also been detected in multiple unaffected individuals. This change alters a cysteine residue in the extracellular EGFr-like domain 31. Based on the variant type and location, we suspect this change is more likely to be pathogenic. However, at this time, the clinical significance of this alteration remains uncertain due to insufficient functional and genetic evidence.